The following is an entry in ClinVar:

NM_014159.7(SETD2):c.6982C>G (p.Leu2328Val)

Gene: SETD2 (SET domain containing 2, histone lysine methyltransferase; minus strand). Cytogenetic location: 3p21.31.
Variant type: single nucleotide variant.
Coding change: c.6982C>G on transcript NM_014159.7 (MANE Select); coding-DNA position 6982, C replaced by G.
Protein change: p.Leu2328Val; replaces leucine 2328 with valine.
Molecular consequence: missense variant. On other transcripts: non-coding transcript variant (1).
Genome position (GRCh38, 1-based): chr3:47,046,603, G>C on the plus strand (C>G on the coding strand, the complement: SETD2 is on the minus strand). VCF-style: chr3-47046603-G-C. GRCh37 (hg19) VCF-style: chr3-47088093-G-C.
Other names: c.6850C>G, p.Leu2284Val (NM_001349370.3); short protein forms L2328V, L2284V.
Identifiers: ClinVar variation 946585 (VCV000946585.6), dbSNP rs1232434419, ClinGen allele CA352515709.
Genomic context (GRCh38, chr3:47,046,603, plus strand): 5'-GCTGTACCACCACTCCTTGTGGATGAGCTGTGAAAATCTGTTGCCCCTGGATATACTGAA[G>C]ACTTGGCTGGGCATAACTCTAAAAGATAAAATGAAGAAATCAATAATTTAAGCTTTTGTC-3'
Protein context (NP_054878.5, residues 2318-2338): PIVQSYAQPS[Leu2328Val]QYIQGQQIFT

ClinVar aggregate classification (germline): Uncertain significance (1 of 4 stars; one submission).

Conditions:
Luscan-Lumish syndrome. Identifiers: Orphanet 597738, MedGen C4085873, MONDO:0014791, OMIM 616831.

Allele frequency attached by ClinVar (database versions not stated): TOPMed below 0.00001; gnomAD exomes 0.00001 and 0.00002.
gnomAD v4.1: 21 of 1,611,458 alleles (0.0013%); highest among the groups gnomAD compares: Non-Finnish European, 0.0018%; no homozygotes.

Submission:

Labcorp Genetics (formerly Invitae), Labcorp
Classification: Uncertain significance for Luscan-Lumish syndrome. Last evaluated: 2020-09-17. Review status: criteria provided, single submitter. Criteria: Invitae Variant Classification Sherloc (09022015). Collection method: clinical testing. Allele origin: germline.
Comment: In summary, the available evidence is currently insufficient to determine the role of this variant in disease. Therefore, it has been classified as a Variant of Uncertain Significance. Algorithms developed to predict the effect of missense changes on protein structure and function are either unavailable or do not agree on the potential impact of this missense change (SIFT: "Tolerated"; PolyPhen-2: "Probably Damaging"; Align-GVGD: "Class C0"). This variant has not been reported in the literature in individuals with SETD2-related conditions. This variant is not present in population databases (ExAC no frequency). This sequence change replaces leucine with valine at codon 2328 of the SETD2 protein (p.Leu2328Val). The leucine residue is highly conserved and there is a small physicochemical difference between leucine and valine.